The following is an entry in ClinVar:

ClinVar aggregate classification (germline): Uncertain significance (1 of 4 stars; one submission).

Conditions:
Inborn genetic diseases. Identifiers: MedGen C0950123, MeSH D030342.

Submission:

Ambry Genetics
Classification: Uncertain significance for Inborn genetic diseases. Last evaluated: 2020-10-21. Review status: criteria provided, single submitter. Criteria: Ambry Variant Classification Scheme 2023. Collection method: clinical testing. Allele origin: germline.
Comment: The p.S1824F variant (also known as c.5471C>T), located in coding exon 27 of the DYNC1H1 gene, results from a C to T substitution at nucleotide position 5471. The serine at codon 1824 is replaced by phenylalanine, an amino acid with highly dissimilar properties. This amino acid position is well conserved in available vertebrate species. In addition, this alteration is predicted to be tolerated by in silico analysis. Since supporting evidence is limited at this time, the clinical significance of this alteration remains unclear.

NM_001376.5(DYNC1H1):c.5471C>T (p.Ser1824Phe)

Gene: DYNC1H1 (dynein cytoplasmic 1 heavy chain 1; plus strand). Cytogenetic location: 14q32.31.
Variant type: single nucleotide variant.
Coding change: c.5471C>T on transcript NM_001376.5 (MANE Select); coding-DNA position 5471, C replaced by T.
Protein change: p.Ser1824Phe; replaces serine 1824 with phenylalanine.
Molecular consequence: missense variant.
Genome position (GRCh38, 1-based): chr14:102,005,925, C>T. VCF-style: chr14-102005925-C-T. GRCh37 (hg19) VCF-style: chr14-102472262-C-T.
Other names: short protein forms S1824F.
Identifiers: ClinVar variation 1747751 (VCV001747751.2), dbSNP rs2503741741, ClinGen allele CA391047844.